The following is an entry in ClinVar:

NM_015175.3(NBEAL2):c.532C>T (p.Gln178Ter)

Gene: NBEAL2 (neurobeachin like 2; plus strand). Cytogenetic location: 3p21.31.
Variant type: single nucleotide variant.
Coding change: c.532C>T on transcript NM_015175.3 (MANE Select); coding-DNA position 532, C replaced by T.
Protein change: p.Gln178Ter; replaces glutamine 178 with a stop codon.
Molecular consequence: nonsense.
Genome position (GRCh38, 1-based): chr3:46,989,569, C>T. VCF-style: chr3-46989569-C-T. GRCh37 (hg19) VCF-style: chr3-47031059-C-T.
Other names: p.Gln178*; c.511C>T, p.Gln171Ter (NM_001365116.2); short protein forms Q171*, Q178*.
Identifiers: ClinVar variation 3380967 (VCV003380967.2).

ClinVar aggregate classification (germline): Likely pathogenic (1 of 4 stars; one submission).

Submission:

Mayo Clinic Laboratories, Mayo Clinic
Classification: Likely pathogenic. Last evaluated: 2025-10-23. Review status: criteria provided, single submitter. Criteria: ACMG Guidelines, 2015. Collection method: clinical testing. Allele origin: germline. Observed: 2 variant alleles.
Comment: PM2_supporting, PVS1